The following is an entry in ClinVar:

NM_001458.5(FLNC):c.4744G>A (p.Glu1582Lys)

Gene: FLNC (filamin C; plus strand). Cytogenetic location: 7q32.1.
Variant type: single nucleotide variant.
Coding change: c.4744G>A on transcript NM_001458.5 (MANE Select); coding-DNA position 4744, G replaced by A.
Protein change: p.Glu1582Lys; replaces glutamic acid 1582 with lysine.
Molecular consequence: missense variant.
Genome position (GRCh38, 1-based): chr7:128,848,799, G>A. VCF-style: chr7-128848799-G-A. GRCh37 (hg19) VCF-style: chr7-128488853-G-A.
Other names: c.4744G>A, p.Glu1582Lys (NM_001127487.2); short protein forms E1582K.
Identifiers: ClinVar variation 539369 (VCV000539369.14), dbSNP rs753022721, ClinGen allele CA4475452.

ClinVar aggregate classification (germline): Conflicting classifications of pathogenicity. Review status: criteria provided, conflicting classifications (1 of 4 stars). 5 submissions from 5 submitters: Uncertain significance (4); Likely benign (1). Last evaluated 2026-02-26.

Conditions:
Cardiovascular phenotype. Identifiers: MedGen CN230736.
Hypertrophic cardiomyopathy 26. Also called: Cardiomyopathy, familial hypertrophic, 26. Identifiers: Orphanet 75249, MedGen C4310749, MONDO:0014883, OMIM 617047.
Distal myopathy with posterior leg and anterior hand involvement. Also called: WILLIAMS DISTAL MYOPATHY. Identifiers: Orphanet 63273, MedGen C3279722, MONDO:0013550, OMIM 614065.
Myofibrillar myopathy 5. Also called: Filaminopathy (type); FILAMINOPATHY, AUTOSOMAL DOMINANT. Identifiers: Orphanet 171445, MedGen C1836050, MONDO:0012289, OMIM 609524.
FLNC-related disorder. Also called: FLNC-related disorders; FLNC-related condition.

Allele frequency attached by ClinVar (database versions not stated): gnomAD exomes below 0.00001 and 0.00003; ExAC 0.00001; TOPMed 0.00002; gnomAD 0.00004.
gnomAD v4.1: 45 of 1,614,046 alleles (0.0028%); highest among the groups gnomAD compares: Middle Eastern, 0.016%; no homozygotes.

Submissions (5):

PreventionGenetics, part of Exact Sciences
Classification: Uncertain significance for FLNC-related condition. Last evaluated: 2026-02-26. Review status: criteria provided, single submitter. Criteria: ACMG Guidelines, 2015. Collection method: clinical testing. Allele origin: germline.
Comment: The FLNC c.4744G>A variant is predicted to result in the amino acid substitution p.Glu1582Lys. To our knowledge, this variant has not been reported in the literature. This variant is reported in 0.0041% of alleles in individuals of African descent in gnomAD. At this time, the clinical significance of this variant is uncertain due to the absence of conclusive functional and genetic evidence.

Labcorp Genetics (formerly Invitae), Labcorp
Classification: Likely benign for Distal myopathy with posterior leg and anterior hand involvement; Myofibrillar myopathy 5; Hypertrophic cardiomyopathy 26. Last evaluated: 2025-11-20. Review status: criteria provided, single submitter. Criteria: Invitae Variant Classification Sherloc (09022015). Collection method: clinical testing. Allele origin: germline.

Ambry Genetics
Classification: Uncertain significance for Cardiovascular phenotype. Last evaluated: 2023-11-02. Review status: criteria provided, single submitter. Criteria: Ambry Variant Classification Scheme 2023. Collection method: clinical testing. Allele origin: germline.
Comment: The p.E1582K variant (also known as c.4744G>A), located in coding exon 28 of the FLNC gene, results from a G to A substitution at nucleotide position 4744. The glutamic acid at codon 1582 is replaced by lysine, an amino acid with similar properties. This amino acid position is conserved. In addition, this alteration is predicted to be deleterious by in silico analysis. Since supporting evidence is limited at this time, the clinical significance of this alteration remains unclear.

Blueprint Genetics
Classification: Uncertain significance. Last evaluated: 2022-12-05. Review status: criteria provided, single submitter. Criteria: ACMG Guidelines, 2015. Collection method: clinical testing. Allele origin: germline.

Revvity Omics, Revvity
Classification: Uncertain significance. Last evaluated: 2019-09-13. Review status: criteria provided, single submitter. Criteria: ACMG Guidelines, 2015. Collection method: clinical testing. Allele origin: germline.